The following is an entry in ClinVar:

ClinVar aggregate classification (germline): Uncertain significance (1 of 4 stars; one submission).

Conditions:
Cardiovascular phenotype. Identifiers: MedGen CN230736.

gnomAD v4.1: 8 of 1,609,082 alleles (0.0005%); highest among the groups gnomAD compares: African/African-American, 0.0013%; no homozygotes.

Submission:

Ambry Genetics
Classification: Uncertain significance for Cardiovascular phenotype. Last evaluated: 2025-09-17. Review status: criteria provided, single submitter. Criteria: Ambry Variant Classification Scheme 2023. Collection method: clinical testing. Allele origin: germline.
Comment: The p.P1111L variant (also known as c.3332C>T), located in coding exon 7 of the TNXB gene, results from a C to T substitution at nucleotide position 3332. The proline at codon 1111 is replaced by leucine, an amino acid with similar properties. This amino acid position is conserved. In addition, this alteration is predicted to be tolerated by in silico analysis. Based on the available evidence, the clinical significance of this variant remains unclear.

NM_001365276.2(TNXB):c.3332C>T (p.Pro1111Leu)

Gene: TNXB (tenascin XB; minus strand). Cytogenetic location: 6p21.33.
Variant type: single nucleotide variant.
Coding change: c.3332C>T on transcript NM_001365276.2 (MANE Select); coding-DNA position 3332, C replaced by T.
Protein change: p.Pro1111Leu; replaces proline 1111 with leucine.
Molecular consequence: missense variant.
Genome position (GRCh38, 1-based): chr6:32,084,526, G>A on the plus strand (C>T on the coding strand, the complement: TNXB is on the minus strand). VCF-style: chr6-32084526-G-A. GRCh37 (hg19) VCF-style: chr6-32052303-G-A.
Other names: c.4073C>T, p.Pro1358Leu (NM_001428335.1); c.3332C>T, p.Pro1111Leu (NM_019105.8); short protein forms P1358L, P1111L.
Identifiers: ClinVar variation 4615134 (VCV004615134.1).
Genomic context (GRCh38, chr6:32,084,526, plus strand): 5'-TACAGGACAAATTTGTACTTGCGGCCAGGATCCAGGGAGGTGATGACGGCCGAGCGCTGG[G>A]GTCCTTCCACGGGCACCACCTGGGGCTGCCCGTCCCTGTCTTTGTACTGGATCACGAAGG-3'
Protein context (NP_001352205.1, residues 1101-1121): GQPQVVPVEG[Pro1111Leu]QRSAVITSLD